The following is an entry in ClinVar:

ClinVar aggregate classification (germline): Uncertain significance (0 of 4 stars; one submission).

Conditions:
VCAN-related disorder. Also called: VCAN-related condition.

Submission:

PreventionGenetics, part of Exact Sciences
Classification: Uncertain significance for VCAN-related condition. Last evaluated: 2024-06-21. Review status: no assertion criteria provided. Collection method: clinical testing. Allele origin: germline.
Comment: The VCAN c.4736C>G variant is predicted to result in the amino acid substitution p.Ser1579Cys. To our knowledge, this variant has not been reported in the literature or in a large population database, indicating this variant is rare. At this time, the clinical significance of this variant is uncertain due to the absence of conclusive functional and genetic evidence.

NM_004385.5(VCAN):c.4736C>G (p.Ser1579Cys)

Genes: VCAN (versican; plus strand), VCAN-AS1 (VCAN antisense RNA 1; minus strand). Cytogenetic location: 5q14.3.
Variant type: single nucleotide variant.
Coding change: c.4736C>G on transcript NM_004385.5 (MANE Select); coding-DNA position 4736, C replaced by G.
Protein change: p.Ser1579Cys; replaces serine 1579 with cysteine.
Molecular consequence: missense variant. On other transcripts: intron variant (2).
Genome position (GRCh38, 1-based): chr5:83,537,739, C>G. VCF-style: chr5-83537739-C-G. GRCh37 (hg19) VCF-style: chr5-82833558-C-G.
Other names: c.1775C>G, p.Ser592Cys (NM_001164097.2); c.4004-7798C>G (NM_001164098.2); c.1043-7798C>G (NM_001126336.3); short protein forms S1579C, S592C.
Identifiers: ClinVar variation 3347632 (VCV003347632.1).